The following is an entry in ClinVar:

ClinVar aggregate classification (germline): Uncertain significance (1 of 4 stars; one submission).

Submission:

Labcorp Genetics (formerly Invitae), Labcorp
Classification: Uncertain significance. Last evaluated: 2025-03-31. Review status: criteria provided, single submitter. Criteria: Invitae Variant Classification Sherloc (09022015). Collection method: clinical testing. Allele origin: germline.
Comment: This sequence change replaces arginine, which is basic and polar, with histidine, which is basic and polar, at codon 10 of the POLE protein (p.Arg10His). This variant is not present in population databases (gnomAD no frequency). This variant has not been reported in the literature in individuals affected with POLE-related conditions. An algorithm developed to predict the effect of missense changes on protein structure and function outputs the following: PolyPhen-2: "Not Available". The histidine amino acid residue is found in multiple mammalian species, which suggests that this missense change does not adversely affect protein function. In summary, the available evidence is currently insufficient to determine the role of this variant in disease. Therefore, it has been classified as a Variant of Uncertain Significance.

NM_006231.4(POLE):c.29G>A (p.Arg10His)

Genes: POLE (DNA polymerase epsilon, catalytic subunit; minus strand), LOC130009266 (ATAC-STARR-seq lymphoblastoid silent region 5123; plus strand). Cytogenetic location: 12q24.33.
Variant type: single nucleotide variant.
Coding change: c.29G>A on transcript NM_006231.4 (MANE Select); coding-DNA position 29, G replaced by A.
Protein change: p.Arg10His; replaces arginine 10 with histidine.
Molecular consequence: missense variant.
Genome position (GRCh38, 1-based): chr12:132,687,287, C>T on the plus strand (G>A on the coding strand, the complement: POLE is on the minus strand). VCF-style: chr12-132687287-C-T. GRCh37 (hg19) VCF-style: chr12-133263873-C-T.
Other names: short protein forms R10H.
Identifiers: ClinVar variation 4705013 (VCV004705013.1).
Genomic context (GRCh38, chr12:132,687,287, plus strand): 5'-CGAGAGCCTCAGGAGGGCGCCCCTCACCTGCTGGCCTCGCCATCCGCGCCTGGGTCCGCG[C>T]GCCGCCGCCCGCCGCTCCTCAGAGACATGGAGCCGTTGGCTACCACCTCTGCTTCAGGGG-3'
Protein context (NP_006222.2, residues 1-20): MSLRSGGRR[Arg10His]ADPGADGEAS